The following is an entry in ClinVar:

ClinVar aggregate classification (germline): Uncertain significance. Review status: criteria provided, multiple submitters, no conflicts (2 of 4 stars). 2 submissions from 2 submitters: Uncertain significance (2). Last evaluated 2026-09-16.

Conditions:
Inborn genetic diseases. Identifiers: MedGen C0950123, MeSH D030342.
PCNT-related disorder. Also called: PCNT-related condition.

gnomAD v4.1: 28 of 1,613,428 alleles (0.0017%); highest among the groups gnomAD compares: Admixed American, 0.01%; no homozygotes.

Submissions (2):

PreventionGenetics, part of Exact Sciences
Classification: Uncertain significance for PCNT-related condition. Last evaluated: 2026-09-16. Review status: criteria provided, single submitter. Criteria: ACMG Guidelines, 2015. Collection method: clinical testing. Allele origin: germline.
Comment: The PCNT c.9751C>G variant is predicted to result in the amino acid substitution p.Pro3251Ala. To our knowledge, this variant has not been reported in the literature. This variant is reported in 0.017% of alleles in individuals of Latino descent in gnomAD. At this time, the clinical significance of this variant is uncertain due to the absence of conclusive functional and genetic evidence.

Ambry Genetics
Classification: Uncertain significance for Inborn genetic diseases. Last evaluated: 2025-09-28. Review status: criteria provided, single submitter. Criteria: Ambry Variant Classification Scheme 2023. Collection method: clinical testing. Allele origin: germline.

NM_006031.6(PCNT):c.9751C>G (p.Pro3251Ala)

Gene: PCNT (pericentrin; plus strand). Cytogenetic location: 21q22.3.
Variant type: single nucleotide variant.
Coding change: c.9751C>G on transcript NM_006031.6 (MANE Select); coding-DNA position 9751, C replaced by G.
Protein change: p.Pro3251Ala; replaces proline 3251 with alanine.
Molecular consequence: missense variant.
Genome position (GRCh38, 1-based): chr21:46,443,860, C>G. VCF-style: chr21-46443860-C-G. GRCh37 (hg19) VCF-style: chr21-47863773-C-G.
Other names: c.9160C>G, p.Pro3054Ala (NM_001315529.2); short protein forms P3251A, P3054A.
Identifiers: ClinVar variation 4627125 (VCV004627125.2).
Genomic context (GRCh38, chr21:46,443,860, plus strand): 5'-TCTGGGGAAGGGCCCCGAGCACGACAGCCGCAGTCTCCACCCAGAACCAGAGAGTCCCCC[C>G]CAACCCGGGATGTACCCTCTGGCCACACCAGGGACCCTGCCAGAGGCCGCAGACTGGCAG-3'
Protein context (NP_006022.3, residues 3241-3261): QSPPRTRESP[Pro3251Ala]TRDVPSGHTR